The following is an entry in ClinVar:

NM_017534.6(MYH2):c.5647T>G (p.Ser1883Ala)

Genes: MYH2 (myosin heavy chain 2; minus strand), MYHAS (myosin heavy chain gene cluster antisense RNA; plus strand). Cytogenetic location: 17p13.1.
Variant type: single nucleotide variant.
Coding change: c.5647T>G on transcript NM_017534.6 (MANE Select); coding-DNA position 5647, T replaced by G.
Protein change: p.Ser1883Ala; replaces serine 1883 with alanine.
Molecular consequence: missense variant.
Genome position (GRCh38, 1-based): chr17:10,523,116, A>C on the plus strand (T>G on the coding strand, the complement: MYH2 is on the minus strand). VCF-style: chr17-10523116-A-C. GRCh37 (hg19) VCF-style: chr17-10426433-A-C.
Other names: c.5647T>G, p.Ser1883Ala (NM_001100112.2); short protein forms S1883A.
Identifiers: ClinVar variation 567010 (VCV000567010.7), dbSNP rs746016363, ClinGen allele CA8390343.
Genomic context (GRCh38, chr17:10,523,116, plus strand): 5'-TTAATTTGAGGACTTCAATCTTAAAAATACTTACAGCCTCCTCAGCTTGTCTCTTATAAG[A>C]TTTCACTTTTGCCTGAAGTTTATCTACCAAATCTTGAAGCCTGAGAATATTCTTTCTATC-3'
Protein context (NP_060004.3, residues 1873-1893): LVDKLQAKVK[Ser1883Ala]YKRQAEEAEE

ClinVar aggregate classification (germline): Uncertain significance (1 of 4 stars; one submission).

Conditions:
Myopathy, proximal, and ophthalmoplegia (CMYO6). Also called: INCLUSION BODY MYOPATHY 3, AUTOSOMAL DOMINANT; MYOPATHY WITH CONGENITAL JOINT CONTRACTURES, OPHTHALMOPLEGIA, AND RIMMED VACUOLES; CONGENITAL MYOPATHY 6 WITH OPHTHALMOPLEGIA. Identifiers: Orphanet 363677, Orphanet 79091, MedGen C1854106, MONDO:0011577, OMIM 605637.

Allele frequency attached by ClinVar (database versions not stated): ExAC 0.00001; gnomAD exomes 0.00001; TOPMed 0.00001; gnomAD 0.00002.
gnomAD v4.1: 12 of 1,613,444 alleles (0.00074%); highest among the groups gnomAD compares: Non-Finnish European, 0.001%; no homozygotes.

Submission:

Labcorp Genetics (formerly Invitae), Labcorp
Classification: Uncertain significance for Myopathy, proximal, and ophthalmoplegia. Last evaluated: 2025-04-22. Review status: criteria provided, single submitter. Criteria: Invitae Variant Classification Sherloc (09022015). Collection method: clinical testing. Allele origin: germline.
Comment: This sequence change replaces serine, which is neutral and polar, with alanine, which is neutral and non-polar, at codon 1883 of the MYH2 protein (p.Ser1883Ala). This variant is present in population databases (rs746016363, gnomAD 0.0009%). This variant has not been reported in the literature in individuals affected with MYH2-related conditions. ClinVar contains an entry for this variant (Variation ID: 567010). An algorithm developed to predict the effect of missense changes on protein structure and function (PolyPhen-2) suggests that this variant is likely to be tolerated. In summary, the available evidence is currently insufficient to determine the role of this variant in disease. Therefore, it has been classified as a Variant of Uncertain Significance.